The following is an entry in ClinVar:

ClinVar aggregate classification (germline): Uncertain significance (1 of 4 stars; one submission).

Submission:

GeneDx
Classification: Uncertain significance. Last evaluated: 2024-03-13. Review status: criteria provided, single submitter. Criteria: GeneDx Variant Classification Process June 2021. Collection method: clinical testing. Allele origin: germline. Affected: yes.
Comment: Frameshift variant predicted to result in protein truncation or nonsense mediated decay in a gene for which loss of function is a known mechanism of disease; Has not been previously published as pathogenic or benign to our knowledge

NM_015311.3(OBSL1):c.5246_5247del (p.Gly1749fs)

Gene: OBSL1 (obscurin like cytoskeletal adaptor 1; minus strand). Cytogenetic location: 2q35.
Variant type: Deletion.
Coding change: c.5246_5247del on transcript NM_015311.3 (MANE Select); coding-DNA positions 5246 to 5247, 2 bases deleted (GG; older notation c.5246_5247delGG).
Protein change: p.Gly1749fs; shifts the reading frame from glycine 1749.
Molecular consequence: frameshift variant.
Genome position (GRCh38, 1-based): chr2:219,552,597-219,552,598, CC deleted on the plus strand (GG on the coding strand, the reverse complement: OBSL1 is on the minus strand); deleting any 2 consecutive bases within chr2:219,552,597-219,552,600 gives the same sequence; the c. name uses the placement nearest the transcript's 3' end. VCF-style (leftmost placement, unchanged base first): chr2-219552596-GCC-G. GRCh37 (hg19) VCF-style: chr2-220417318-GCC-G.
Other names: short protein forms G1749fs.
Identifiers: ClinVar variation 3370963 (VCV003370963.1).